The following is an entry in ClinVar:

NM_005726.6(TSFM):c.600dup (p.Arg201fs)

Gene: TSFM (Ts translation elongation factor, mitochondrial; plus strand). Cytogenetic location: 12q14.1.
Variant type: Duplication.
Coding change: c.600dup on transcript NM_005726.6 (MANE Select); coding-DNA position 600, one base duplicated (A; older notation c.600dupA).
Protein change: p.Arg201fs; shifts the reading frame from arginine 201.
Molecular consequence: frameshift variant. On other transcripts: 3 prime UTR variant (1), intron variant (1).
Genome position (GRCh38, 1-based): chr12:57,796,205, A duplicated; the last of 3 consecutive A bases (chr12:57,796,203-57,796,205); duplicating any one gives the same sequence. VCF-style (leftmost placement, unchanged base first): chr12-57796202-T-TA. GRCh37 (hg19) VCF-style: chr12-58189985-T-TA.
Other names: c.*8dup (NM_001172695.2); c.663dup, p.Arg222fs (NM_001172696.2); c.571+3132dup (NM_001172697.2); short protein forms R222fs, R201fs.
Identifiers: ClinVar variation 1918350 (VCV001918350.6), dbSNP rs772810012, ClinGen allele CA6659416.

ClinVar aggregate classification (germline): Pathogenic/Likely pathogenic. Review status: criteria provided, multiple submitters, no conflicts (2 of 4 stars). 2 submissions from 2 submitters: Pathogenic (1); Likely pathogenic (1). Last evaluated 2023-06-27.

Conditions:
Fatal mitochondrial disease due to combined oxidative phosphorylation defect type 3. Also called: Combined oxidative phosphorylation deficiency 3; ENCEPHALOMYOPATHY, RESPIRATORY FAILURE, AND LACTIC ACIDOSIS. Identifiers: Orphanet 168566, MedGen C1864840, MONDO:0012512, OMIM 610505.

Submissions (2):

Baylor Genetics
Classification: Likely pathogenic for Fatal mitochondrial disease due to combined oxidative phosphorylation defect type 3. Last evaluated: 2023-06-27. Review status: criteria provided, single submitter. Criteria: ACMG Guidelines, 2015. Collection method: clinical testing. Allele origin: unknown.

Labcorp Genetics (formerly Invitae), Labcorp
Classification: Pathogenic. Last evaluated: 2022-09-28. Review status: criteria provided, single submitter. Criteria: Invitae Variant Classification Sherloc (09022015). Collection method: clinical testing. Allele origin: germline.
Comment: For these reasons, this variant has been classified as Pathogenic. This variant disrupts a region of the TSFM protein in which other variant(s) (p.Gln324Argfs*11) have been determined to be pathogenic (Invitae). This suggests that this is a clinically significant region of the protein, and that variants that disrupt it are likely to be disease-causing. This variant has not been reported in the literature in individuals affected with TSFM-related conditions. This variant is present in population databases (rs772810012, gnomAD 0.002%). This sequence change creates a premature translational stop signal (p.Arg222Thrfs*41) in the TSFM gene. While this is not anticipated to result in nonsense mediated decay, it is expected to disrupt the last 125 amino acid(s) of the TSFM protein.